The following is an entry in ClinVar:

NM_001042492.3(NF1):c.230_239del (p.Lys77fs)

Gene: NF1 (neurofibromin 1; plus strand). Cytogenetic location: 17q11.2.
Variant type: Deletion.
Coding change: c.230_239del on transcript NM_001042492.3 (MANE Select); coding-DNA positions 230 to 239, 10 bases deleted (AAAATTTATA; older notation c.230_239delAAAATTTATA).
Protein change: p.Lys77fs; shifts the reading frame from lysine 77.
Molecular consequence: frameshift variant.
Genome position (GRCh38, 1-based): chr17:31,159,035-31,159,044, AAAATTTATA deleted; deleting any 10 consecutive bases within chr17:31,159,034-31,159,044 gives the same sequence; the c. name uses the placement nearest the transcript's 3' end. VCF-style (leftmost placement, unchanged base first): chr17-31159033-AAAAAATTTAT-A. GRCh37 (hg19) VCF-style: chr17-29486051-AAAAAATTTAT-A.
Other names: c.230_239delAAAATTTATA, p.Lys77Ilefs (NM_000267.4); c.230_239del, p.Lys77fs (NM_001128147.3); short protein forms K77fs.
Identifiers: ClinVar variation 2705175 (VCV002705175.3), dbSNP rs2544690445, ClinGen allele CA2697559528.

ClinVar aggregate classification (germline): Pathogenic (1 of 4 stars; one submission).

Conditions:
Neurofibromatosis, type 1 (NF1). Also called: Peripheral type neurofibromatosis; VON RECKLINGHAUSEN DISEASE; NEUROFIBROMATOSIS, TYPE I, SOMATIC; Neurofibromatosis, type I. Identifiers: Orphanet 636, MedGen C0027831, MONDO:0018975, OMIM 162200. Disease mechanism: loss of function.

Submission:

Labcorp Genetics (formerly Invitae), Labcorp
Classification: Pathogenic for Neurofibromatosis, type 1. Last evaluated: 2023-12-27. Review status: criteria provided, single submitter. Criteria: Invitae Variant Classification Sherloc (09022015). Collection method: clinical testing. Allele origin: germline.
Comment: This sequence change creates a premature translational stop signal (p.Lys77Ilefs*5) in the NF1 gene. It is expected to result in an absent or disrupted protein product. Loss-of-function variants in NF1 are known to be pathogenic (PMID: 10712197, 23913538). This variant is not present in population databases (gnomAD no frequency). This variant has not been reported in the literature in individuals affected with NF1-related conditions. For these reasons, this variant has been classified as Pathogenic.

Literature cited by the submitters: PubMed 10712197; PubMed 23913538.